The following is an entry in ClinVar:

ClinVar aggregate classification (germline): Uncertain significance (1 of 4 stars; one submission).

gnomAD v4.1: 6 of 1,210,305 alleles (0.0005%); highest among the groups gnomAD compares: Non-Finnish European, 0.00067%; no homozygotes.

Submission:

GeneDx
Classification: Uncertain significance. Last evaluated: 2024-03-07. Review status: criteria provided, single submitter. Criteria: GeneDx Variant Classification Process June 2021. Collection method: clinical testing. Allele origin: germline. Affected: yes.
Comment: Not observed at significant frequency in large population cohorts (gnomAD); In silico analysis supports that this missense variant does not alter protein structure/function; Has not been previously published as pathogenic or benign to our knowledge

NM_001368397.1(FRMPD4):c.3068G>A (p.Cys1023Tyr)

Gene: FRMPD4 (FERM and PDZ domain containing 4; plus strand). Cytogenetic location: Xp22.2.
Variant type: single nucleotide variant.
Coding change: c.3068G>A on transcript NM_001368397.1 (MANE Select); coding-DNA position 3068, G replaced by A.
Protein change: p.Cys1023Tyr; replaces cysteine 1023 with tyrosine.
Molecular consequence: missense variant.
Genome position (GRCh38, 1-based): chrX:12,717,894, G>A. VCF-style: chrX-12717894-G-A. GRCh37 (hg19) VCF-style: chrX-12736013-G-A.
Other names: c.3179G>A, p.Cys1060Tyr (NM_001368395.3, NM_001368398.3); c.3074G>A, p.Cys1025Tyr (NM_001368396.3); c.3059G>A, p.Cys1020Tyr (NM_001368399.3); c.2948G>A, p.Cys983Tyr (NM_001368400.3); c.3044G>A, p.Cys1015Tyr (NM_001368401.1, NM_001368402.3); c.3068G>A, p.Cys1023Tyr (NM_014728.3); short protein forms C1015Y, C1020Y, C1023Y, C1025Y, C1060Y, C983Y.
Identifiers: ClinVar variation 3373585 (VCV003373585.1).